The following is an entry in ClinVar:

NM_052867.4(NALCN):c.2671del (p.Val891fs)

Gene: NALCN (sodium leak channel, non-selective; minus strand). Cytogenetic location: 13q33.1.
Variant type: Deletion.
Coding change: c.2671del on transcript NM_052867.4 (MANE Select); coding-DNA position 2671, one base deleted (G; older notation c.2671delG).
Protein change: p.Val891fs; shifts the reading frame from valine 891.
Molecular consequence: frameshift variant.
Genome position (GRCh38, 1-based): chr13:101,104,616, C deleted on the plus strand (G on the coding strand, the reverse complement: NALCN is on the minus strand); the first of 3 consecutive C bases (chr13:101,104,616-101,104,618); deleting any one gives the same sequence. VCF-style (leftmost placement, unchanged base first): chr13-101104615-AC-A. GRCh37 (hg19) VCF-style: chr13-101756966-AC-A.
Other names: c.2758del, p.Val920fs (NM_001350748.2); c.2671del, p.Val891fs (NM_001350749.2); c.2584del, p.Val862fs (NM_001350750.2, NM_001350751.2); short protein forms V862fs, V920fs, V891fs.
Identifiers: ClinVar variation 813894 (VCV000813894.1), dbSNP rs1594211911, ClinGen allele CA484761557.
Genomic context (GRCh38, chr13:101,104,615, plus strand): 5'-CTTCGAAACGGGGACTCAAACATCATGGAAATGCAAGAGCAGATGGTTACGATGATCATG[AC>A]CCAGTCCAGGTAAGTGACCAATCCCAGCAAATCACTGCCAAAGACCAAACAAAATTGAGA-3'

ClinVar aggregate classification (germline): Likely pathogenic (1 of 4 stars; one submission).

Conditions:
Hypotonia, infantile, with psychomotor retardation and characteristic facies 1 (INNFD). Identifiers: Orphanet 371364, Orphanet 700336, MedGen C3809454, MONDO:0024567, OMIM 615419.

Submission:

Broad Center for Mendelian Genomics, Broad Institute of MIT and Harvard
Classification: Likely pathogenic for Hypotonia, infantile, with psychomotor retardation and characteristic facies 1. Last evaluated: 2018-12-03. Review status: criteria provided, single submitter. Criteria: ACMG Guidelines, 2015. Collection method: research. Allele origin: germline. Inheritance: Autosomal recessive inheritance. Affected: yes.
Comment: The p.Val891SerfsTer2 variant in NALCN has not been previously reported in individuals with infantile hypotonia with psychomotor retardation and characteristic facies and was absent from large population studies. This variant is predicted to cause a frameshift, which alters the protein's amino acid sequence beginning at position 891 and leads to a premature termination codon 2 amino acids downstream. This alteration is then predicted to lead to a truncated or absent protein. Loss of function of the NALCN gene is an established disease mechanism in autosomal recessive infantile hypotonia with psychomotor retardation and characteristic facies. In summary, although additional studies are required to fully establish its clinical significance, this variant is likely pathogenic. ACMG/AMP Criteria applied: PM2, PVS1 (Richards 2015).